The following is an entry in ClinVar:

NM_005159.5(ACTC1):c.634C>T (p.Arg212Cys)

Genes: GJD2-DT (GJD2 divergent transcript; plus strand), ACTC1 (actin alpha cardiac muscle 1; minus strand). Cytogenetic location: 15q14.
Variant type: single nucleotide variant.
Coding change: c.634C>T on transcript NM_005159.5 (MANE Select); coding-DNA position 634, C replaced by T.
Protein change: p.Arg212Cys; replaces arginine 212 with cysteine.
Molecular consequence: missense variant.
Genome position (GRCh38, 1-based): chr15:34,792,264, G>A on the plus strand (C>T on the coding strand, the complement: ACTC1 is on the minus strand). VCF-style: chr15-34792264-G-A. GRCh37 (hg19) VCF-style: chr15-35084465-G-A.
Other names: short protein forms R212C.
Identifiers: ClinVar variation 953784 (VCV000953784.9), dbSNP rs1437269590, ClinGen allele CA391630787.

ClinVar aggregate classification (germline): Uncertain significance (1 of 4 stars; one submission).

Conditions:
Hypertrophic cardiomyopathy 11. Also called: ACTC1-Related Familial Hypertrophic Cardiomyopathy. Identifiers: MedGen C2677506, MONDO:0012799, OMIM 612098.
Atrial septal defect 5 (ASD5). Identifiers: Orphanet 1478, MedGen C2748552, MONDO:0013011, OMIM 612794.
Dilated cardiomyopathy 1R (CMD1R). Identifiers: Orphanet 154, Orphanet 54260, MedGen C3150681, MONDO:0013261, OMIM 613424.

Submission:

Labcorp Genetics (formerly Invitae), Labcorp
Classification: Uncertain significance for Dilated cardiomyopathy 1R; Hypertrophic cardiomyopathy 11; Atrial septal defect 5. Last evaluated: 2022-03-09. Review status: criteria provided, single submitter. Criteria: Invitae Variant Classification Sherloc (09022015). Collection method: clinical testing. Allele origin: germline.
Comment: In summary, the available evidence is currently insufficient to determine the role of this variant in disease. Therefore, it has been classified as a Variant of Uncertain Significance. Algorithms developed to predict the effect of missense changes on protein structure and function (SIFT, PolyPhen-2, Align-GVGD) all suggest that this variant is likely to be disruptive. ClinVar contains an entry for this variant (Variation ID: 953784). This sequence change replaces arginine, which is basic and polar, with cysteine, which is neutral and slightly polar, at codon 212 of the ACTC1 protein (p.Arg212Cys). This variant is not present in population databases (gnomAD no frequency). This variant has not been reported in the literature in individuals affected with ACTC1-related conditions.